The following is an entry in ClinVar:

NM_014000.3(VCL):c.2380A>T (p.Ile794Phe)

Gene: VCL (vinculin; plus strand). Cytogenetic location: 10q22.2.
Variant type: single nucleotide variant.
Coding change: c.2380A>T on transcript NM_014000.3 (MANE Select); coding-DNA position 2380, A replaced by T.
Protein change: p.Ile794Phe; replaces isoleucine 794 with phenylalanine.
Molecular consequence: missense variant.
Genome position (GRCh38, 1-based): chr10:74,105,299, A>T. VCF-style: chr10-74105299-A-T. GRCh37 (hg19) VCF-style: chr10-75865057-A-T.
Other names: c.2380A>T, p.Ile794Phe (NM_003373.4); short protein forms I794F.
Identifiers: ClinVar variation 2173556 (VCV002173556.4), dbSNP rs1840113947, ClinGen allele CA377262762.

ClinVar aggregate classification (germline): Uncertain significance (1 of 4 stars; one submission).

Conditions:
Dilated cardiomyopathy 1W (CMD1W). Identifiers: Orphanet 154, MedGen C1969639, MONDO:0012667, OMIM 611407.

Allele frequency attached by ClinVar (database versions not stated): gnomAD 0.00001.
gnomAD v4.1: 1 of 1,613,246 alleles (0.000062%); highest among the groups gnomAD compares: African/African-American, 0.0013%; no homozygotes.

Submission:

Labcorp Genetics (formerly Invitae), Labcorp
Classification: Uncertain significance for Dilated cardiomyopathy 1W. Last evaluated: 2022-02-18. Review status: criteria provided, single submitter. Criteria: Invitae Variant Classification Sherloc (09022015). Collection method: clinical testing. Allele origin: germline.
Comment: In summary, the available evidence is currently insufficient to determine the role of this variant in disease. Therefore, it has been classified as a Variant of Uncertain Significance. Algorithms developed to predict the effect of missense changes on protein structure and function are either unavailable or do not agree on the potential impact of this missense change (SIFT: "Not Available"; PolyPhen-2: "Probably Damaging"; Align-GVGD: "Not Available"). This variant has not been reported in the literature in individuals affected with VCL-related conditions. This variant is not present in population databases (gnomAD no frequency). This sequence change replaces isoleucine, which is neutral and non-polar, with phenylalanine, which is neutral and non-polar, at codon 794 of the VCL protein (p.Ile794Phe).